The following is an entry in ClinVar:

NM_016604.4(KDM3B):c.928G>C (p.Asp310His)

Gene: KDM3B (lysine demethylase 3B; plus strand). Cytogenetic location: 5q31.2.
Variant type: single nucleotide variant.
Coding change: c.928G>C on transcript NM_016604.4 (MANE Select); coding-DNA position 928, G replaced by C.
Protein change: p.Asp310His; replaces aspartic acid 310 with histidine.
Molecular consequence: missense variant.
Genome position (GRCh38, 1-based): chr5:138,386,169, G>C. VCF-style: chr5-138386169-G-C. GRCh37 (hg19) VCF-style: chr5-137721858-G-C.
Other names: short protein forms D310H.
Identifiers: ClinVar variation 4056535 (VCV004056535.1).

ClinVar aggregate classification (germline): Uncertain significance (1 of 4 stars; one submission).

Conditions:
Diets-Jongmans syndrome. Also called: INTELLECTUAL DEVELOPMENTAL DISORDER WITH DISTINCTIVE FACIAL DYSMORPHISM. Identifiers: MedGen C5394263, MONDO:0030012, OMIM 618846.

Submission:

Laboratorio de Genetica e Diagnostico Molecular, Hospital Israelita Albert Einstein
Classification: Uncertain significance for Diets-Jongmans syndrome. Last evaluated: 2023-05-18. Review status: criteria provided, single submitter. Criteria: ACMG Guidelines, 2015. Collection method: clinical testing. Allele origin: germline. Affected: yes.
Comment: ACMG classification criteria: PM2 moderate, PP2 supporting, BP4 supporting